The following is an entry in ClinVar:

ClinVar aggregate classification (germline): Uncertain significance. Review status: criteria provided, multiple submitters, no conflicts (2 of 4 stars). 2 submissions from 2 submitters: Uncertain significance (2). Last evaluated 2022-03-05.

Allele frequency attached by ClinVar (database versions not stated): TOPMed below 0.00001; gnomAD 0.00001.
gnomAD v4.1: 2 of 1,613,594 alleles (0.00012%); highest among the groups gnomAD compares: Non-Finnish European, 0.00017%; no homozygotes.

Submissions (2):

Labcorp Genetics (formerly Invitae), Labcorp
Classification: Uncertain significance. Last evaluated: 2022-03-05. Review status: criteria provided, single submitter. Criteria: Invitae Variant Classification Sherloc (09022015). Collection method: clinical testing. Allele origin: germline.
Comment: This sequence change replaces leucine, which is neutral and non-polar, with valine, which is neutral and non-polar, at codon 2040 of the CEP250 protein (p.Leu2040Val). This variant is not present in population databases (gnomAD no frequency). This variant has not been reported in the literature in individuals affected with CEP250-related conditions. Algorithms developed to predict the effect of missense changes on protein structure and function are either unavailable or do not agree on the potential impact of this missense change (SIFT: "Not Available"; PolyPhen-2: "Probably Damaging"; Align-GVGD: "Not Available"). In summary, the available evidence is currently insufficient to determine the role of this variant in disease. Therefore, it has been classified as a Variant of Uncertain Significance.

Blueprint Genetics
Classification: Uncertain significance. Last evaluated: 2021-10-22. Review status: criteria provided, single submitter. Criteria: ACMG Guidelines, 2015. Collection method: clinical testing. Allele origin: germline.

NM_007186.6(CEP250):c.6118C>G (p.Leu2040Val)

Gene: CEP250 (centrosomal protein 250; plus strand). Cytogenetic location: 20q11.22.
Variant type: single nucleotide variant.
Coding change: c.6118C>G on transcript NM_007186.6 (MANE Select); coding-DNA position 6118, C replaced by G.
Protein change: p.Leu2040Val; replaces leucine 2040 with valine.
Molecular consequence: missense variant.
Genome position (GRCh38, 1-based): chr20:35,504,487, C>G. VCF-style: chr20-35504487-C-G. GRCh37 (hg19) VCF-style: chr20-34092315-C-G.
Other names: c.4222C>G, p.Leu1408Val (NM_001318219.1); short protein forms L1408V, L2040V.
Identifiers: ClinVar variation 2107154 (VCV002107154.2), dbSNP rs1336509802, ClinGen allele CA408756054.
Genomic context (GRCh38, chr20:35,504,487, plus strand): 5'-AGGATACAAGAAGGTGAGATCCAGGACCAGGATCTCCGATACCAGGAGGATGTGCAGCAG[C>G]TGCAGCAGGCACTTGCCCAGAGGGATGAAGAGCTGAGACATCAGCAGGAACGGGAGCAGC-3'
Protein context (NP_009117.2, residues 2030-2050): DLRYQEDVQQ[Leu2040Val]QQALAQRDEE